The following is an entry in ClinVar:

ClinVar aggregate classification (germline): Conflicting classifications of pathogenicity. Review status: criteria provided, conflicting classifications (1 of 4 stars). 4 submissions from 4 submitters: Likely pathogenic (2); Uncertain significance (1). 1 of the submissions does not count toward it. Last evaluated 2025-08-14.

Conditions:
Propionic acidemia (PROP). Also called: GLYCINEMIA, KETOTIC; HYPERGLYCINEMIA WITH KETOACIDOSIS AND LEUKOPENIA; KETOTIC HYPERGLYCINEMIA. Identifiers: Orphanet 35, MedGen C0268579, MONDO:0011628, OMIM 606054, HP:0003571.

Submissions (4):

Natera, Inc.
Classification: Likely pathogenic for Propionic acidemia. Last evaluated: 2025-08-14. Review status: criteria provided, single submitter. Criteria: Natera Variant Classification Schema (03/2026). Collection method: clinical testing. Allele origin: germline.
Comment: The c.1503del variant in PCCB is a frameshift variant predicted to elongate the protein beyond the termination codon. This variant is expected to result in nonsense mediated decay, truncation, or a dysfunctional protein product. This variant is rare in the general population with a frequency below the threshold expected for the associated phenotype(s). Given the available evidence, this variant is classified as Likely Pathogenic.

Women's Health and Genetics/Laboratory Corporation of America, LabCorp
Classification: Uncertain significance. Last evaluated: 2025-03-03. Review status: criteria provided, single submitter. Criteria: LabCorp Variant Classification Summary - May 2015. Collection method: clinical testing. Allele origin: germline.
Comment: Variant summary: PCCB c.1503delT (p.Phe501LeufsX50) causes a frameshift which results in an extension of the protein. The variant was absent in 251152 control chromosomes. The available data on variant occurrences in the general population are insufficient to allow any conclusion about variant significance. To our knowledge, no occurrence of c.1503delT in individuals affected with Propionic Acidemia and no experimental evidence demonstrating its impact on protein function have been reported. ClinVar contains an entry for this variant (Variation ID: 556370). Based on the evidence outlined above, the variant was classified as uncertain significance.

Fulgent Genetics
Classification: Likely pathogenic for Propionic acidemia. Last evaluated: 2024-02-22. Review status: criteria provided, single submitter. Criteria: ACMG Guidelines, 2015. Collection method: clinical testing. Allele origin: germline.

Counsyl
Classification: Uncertain significance for Propionic acidemia. Last evaluated: 2018-01-26. Review status: no assertion criteria provided. Collection method: clinical testing. Allele origin: unknown. Not counted in ClinVar's aggregate classification.

NM_000532.5(PCCB):c.1503del (p.Phe501fs)

Gene: PCCB (propionyl-CoA carboxylase subunit beta; plus strand). Cytogenetic location: 3q22.3.
Variant type: Deletion.
Coding change: c.1503del on transcript NM_000532.5 (MANE Select); coding-DNA position 1503, one base deleted (T; older notation c.1503delT).
Protein change: p.Phe501fs; shifts the reading frame from phenylalanine 501.
Molecular consequence: frameshift variant.
Genome position (GRCh38, 1-based): chr3:136,329,909, T deleted; the last of 3 consecutive T bases (chr3:136,329,907-136,329,909); deleting any one gives the same sequence. VCF-style (leftmost placement, unchanged base first): chr3-136329906-GT-G. GRCh37 (hg19) VCF-style: chr3-136048748-GT-G.
Other names: c.1503del (NM_000532.4); c.1503delT (NM_000532.5); c.1563del, p.Phe521fs (NM_001178014.2); short protein forms F501fs, F521fs.
Identifiers: ClinVar variation 556370 (VCV000556370.5), dbSNP rs1553785139, ClinGen allele CA658823087.